The following is an entry in ClinVar:

ClinVar aggregate classification (germline): Conflicting classifications of pathogenicity. Review status: criteria provided, conflicting classifications (1 of 4 stars). 3 submissions from 3 submitters: Uncertain significance (1); Benign (1); Likely benign (1). Last evaluated 2025-12-30.

Conditions:
Hereditary cancer-predisposing syndrome. Also called: Hereditary neoplastic syndrome; Neoplastic Syndromes, Hereditary; Tumor predisposition; Hereditary Cancer Syndrome. Identifiers: Orphanet 140162, MedGen C0027672, MeSH D009386, MONDO:0015356.
POLD1-related polyposis and colorectal cancer syndrome (CRCS10). Also called: Colorectal cancer, susceptibility to, 10; Colorectal cancer 10; COLORECTAL CANCER, SUSCEPTIBILITY TO, ON CHROMOSOME 19q. Identifiers: Orphanet 220460, MedGen C2675481, MONDO:0012953, OMIM 612591.

gnomAD v4.1: 1 of 1,613,762 alleles (0.000062%); highest among the groups gnomAD compares: Non-Finnish European, 0.000085%; no homozygotes.

Submissions (3):

Ambry Genetics
Classification: Uncertain significance for Hereditary cancer-predisposing syndrome. Last evaluated: 2025-12-30. Review status: criteria provided, single submitter. Criteria: Ambry Variant Classification Scheme 2023. Collection method: clinical testing. Allele origin: germline.
Comment: The c.1305A>C variant (also known as p.S435S), located in coding exon 10 of the POLD1 gene, results from an A to C substitution at nucleotide position 1305. This nucleotide substitution does not change the amino acid at codon 435. This nucleotide position is not well conserved in available vertebrate species. In silico splice site analysis for this alteration is inconclusive. Based on the available evidence, the clinical significance of this variant remains unclear.

Myriad Genetics, Inc.
Classification: Benign for POLD1-related polyposis and colorectal cancer syndrome. Last evaluated: 2025-02-06. Review status: criteria provided, single submitter. Criteria: Myriad Autosomal Dominant, Autosomal Recessive and X-Linked Classification Criteria (2023). Collection method: clinical testing. Allele origin: unknown.
Comment: This variant is considered benign. This variant is a silent/synonymous amino acid change and it is not expected to impact splicing.

Labcorp Genetics (formerly Invitae), Labcorp
Classification: Likely benign for POLD1-related polyposis and colorectal cancer syndrome. Last evaluated: 2024-05-29. Review status: criteria provided, single submitter. Criteria: Invitae Variant Classification Sherloc (09022015). Collection method: clinical testing. Allele origin: germline.

NM_002691.4(POLD1):c.1305A>C (p.Ser435=)

Gene: POLD1 (DNA polymerase delta 1, catalytic subunit; plus strand). Cytogenetic location: 19q13.33.
Variant type: single nucleotide variant.
Coding change: c.1305A>C on transcript NM_002691.4 (MANE Select); coding-DNA position 1305, A replaced by C.
Protein change: p.Ser435=; no amino-acid change (serine 435 retained).
Molecular consequence: synonymous variant. On other transcripts: non-coding transcript variant (1).
Genome position (GRCh38, 1-based): chr19:50,406,244, A>C. VCF-style: chr19-50406244-A-C. GRCh37 (hg19) VCF-style: chr19-50909501-A-C.
Other names: c.1305A>C, p.Ser435= (NM_001256849.1, NM_001308632.1); c.1305A>C (NM_002691.2).
Identifiers: ClinVar variation 1126226 (VCV001126226.11), dbSNP rs2122318403, ClinGen allele CA508304650.